The following is an entry in ClinVar:

NC_000012.12:g.(?_132687244)_(132687325_?)del

Genes: POLE (DNA polymerase epsilon, catalytic subunit; minus strand), LOC130009266 (ATAC-STARR-seq lymphoblastoid silent region 5123; plus strand). Cytogenetic location: 12q24.33.
Variant type: Deletion.
Identifiers: ClinVar variation 584267 (VCV000584267.3).

ClinVar aggregate classification (germline): Uncertain significance (1 of 4 stars; one submission).

Conditions:
Colorectal cancer, susceptibility to, 12 (CRCS12). Also called: COLORECTAL CANCER, SUSCEPTIBILITY TO, ON CHROMOSOME 12q24. Identifiers: Orphanet 220460, MedGen C3554460, MONDO:0014038, OMIM 615083.

Submission:

Labcorp Genetics (formerly Invitae), Labcorp
Classification: Uncertain significance for Colorectal cancer, susceptibility to, 12. Last evaluated: 2019-06-20. Review status: criteria provided, single submitter. Criteria: Invitae Variant Classification Sherloc (09022015). Collection method: clinical testing. Allele origin: germline.
Comment: This variant is a gross deletion of the genomic region encompassing exon 1 of the POLE gene, which includes the initiator codon. The 5' end of this event is unknown as it extends beyond the assayed region for this gene and therefore may encompass additional genes. The 3' boundary is likely confined to intron 1 of the POLE gene. This is expected to result in an absent or disrupted protein product. Similar deletions have not been reported in the literature in individuals with POLE-related disease. Experimental studies and prediction algorithms are not available for this variant, and the functional significance of the affected amino acid(s) is currently unknown. Missense variants that disrupt the 3'-5' exonuclease (proof-reading) activity of the POLE protein, while not abolishing its polymerase enzyme activity, are associated with an increased risk for colonic adenomatous polyps and colon cancer (PMID: 23263490, 23447401). Loss-of-function variants, which result in an absent or severely disrupted POLE protein, are therefore unlikely to be associated with disease. Without further clinical and genetic evidence, however, this variant has been classified as a Variant of Uncertain Significance.

Literature cited by the submitters: PubMed 23263490; PubMed 23447401.